The following is an entry in ClinVar:

ClinVar aggregate classification (germline): Likely benign (0 of 4 stars; one submission).

Conditions:
ABR-related disorder. Also called: ABR-related condition.

Allele frequency attached by ClinVar (database versions not stated): 1000 Genomes Project 30x 0.00156.
gnomAD v4.1: 117 of 150,814 alleles (0.078%); highest among the groups gnomAD compares: African/African-American, 0.26%; no homozygotes.

Submission:

PreventionGenetics, part of Exact Sciences
Classification: Likely benign for ABR-related condition. Last evaluated: 2023-02-28. Review status: no assertion criteria provided. Collection method: clinical testing. Allele origin: germline.
Comment: This variant is classified as likely benign based on ACMG/AMP sequence variant interpretation guidelines (Richards et al. 2015 PMID: 25741868, with internal and published modifications).

NM_001322841.2(ABR):c.310G>C (p.Ala104Pro)

Gene: ABR (ABR activator of RhoGEF and GTPase; minus strand). Cytogenetic location: 17p13.3.
Variant type: single nucleotide variant.
Coding change: c.310G>C on transcript NM_001322841.2; coding-DNA position 310, G replaced by C.
Protein change: p.Ala104Pro; replaces alanine 104 with proline.
Molecular consequence: missense variant.
Genome position (GRCh38, 1-based): chr17:1,229,321, C>G on the plus strand (G>C on the coding strand, the complement: ABR is on the minus strand). VCF-style: chr17-1229321-C-G. GRCh37 (hg19) VCF-style: chr17-1132615-C-G.
Other names: c.310G>C, p.Ala104Pro (NM_001322842.2); short protein forms A104P.
Identifiers: ClinVar variation 3029550 (VCV003029550.2), dbSNP rs936800749, ClinGen allele CA286758352.
Genomic context (GRCh38, chr17:1,229,321, plus strand): 5'-GGTGGACGGCGTCGGCCCAGCTCCTTCCCCCGCCGGCTTCTCCGGCCGCCCCGGGCCCGG[C>G]GGGCAGGTCCCCGCGGGGAGACTCGGCCTCGGGGTCGGGGCGCCCGGGGTCCCCGCGGGG-3'